The following is an entry in ClinVar:

ClinVar aggregate classification (germline): Pathogenic (1 of 4 stars; one submission).

Conditions:
Epilepsy, familial adult myoclonic, 5 (EPEO5). Also called: CORTICAL MYOCLONIC TREMOR WITH EPILEPSY, FAMILIAL, 5. Identifiers: Orphanet 86814, MedGen C3809374, MONDO:0014167, OMIM 615400.

Submission:

Labcorp Genetics (formerly Invitae), Labcorp
Classification: Pathogenic for Epilepsy, familial adult myoclonic, 5. Last evaluated: 2024-10-31. Review status: criteria provided, single submitter. Criteria: Invitae Variant Classification Sherloc (09022015). Collection method: clinical testing. Allele origin: germline.
Comment: This sequence change creates a premature translational stop signal (p.Asp571Ilefs*2) in the CNTN2 gene. It is expected to result in an absent or disrupted protein product. Loss-of-function variants in CNTN2 are known to be pathogenic (PMID: 11178983, 23518707). This variant is not present in population databases (gnomAD no frequency). This variant has not been reported in the literature in individuals affected with CNTN2-related conditions. For these reasons, this variant has been classified as Pathogenic.

Literature cited by the submitters: PubMed 11178983; PubMed 23518707.

NM_005076.5(CNTN2):c.1711del (p.Asp571fs)

Gene: CNTN2 (contactin 2; plus strand). Cytogenetic location: 1q32.1.
Variant type: Deletion.
Coding change: c.1711del on transcript NM_005076.5 (MANE Select); coding-DNA position 1711, one base deleted (G; older notation c.1711delG).
Protein change: p.Asp571fs; shifts the reading frame from aspartic acid 571.
Molecular consequence: frameshift variant. On other transcripts: non-coding transcript variant (1).
Genome position (GRCh38, 1-based): chr1:205,065,804, G deleted; the last of 4 consecutive G bases (chr1:205,065,801-205,065,804); deleting any one gives the same sequence. VCF-style (leftmost placement, unchanged base first): chr1-205065800-TG-T. GRCh37 (hg19) VCF-style: chr1-205034928-TG-T.
Other names: c.1711del, p.Asp571fs (NM_001346083.2); short protein forms D571fs.
Identifiers: ClinVar variation 3701041 (VCV003701041.2).